The following is an entry in ClinVar:

NM_003982.4(SLC7A7):c.750dup (p.Glu251fs)

Gene: SLC7A7 (solute carrier family 7 member 7; minus strand). Cytogenetic location: 14q11.2.
Variant type: Duplication.
Coding change: c.750dup on transcript NM_003982.4 (MANE Select); coding-DNA position 750, one base duplicated (A; older notation c.750dupA).
Protein change: p.Glu251fs; shifts the reading frame from glutamic acid 251.
Molecular consequence: frameshift variant.
Genome position (GRCh38, 1-based): chr14:22,778,813, T duplicated on the plus strand (A on the coding strand, the reverse complement: SLC7A7 is on the minus strand); the first of 2 consecutive T bases (chr14:22,778,813-22,778,814); duplicating either gives the same sequence. VCF-style (leftmost placement, unchanged base first): chr14-22778812-C-CT. GRCh37 (hg19) VCF-style: chr14-23248021-C-CT.
Other names: c.750dup, p.Glu251fs (NM_001126105.3, NM_001126106.4); short protein forms E251fs.
Identifiers: ClinVar variation 3702375 (VCV003702375.2).
Genomic context (GRCh38, chr14:22,778,812, plus strand): 5'-TGGCTATCACTGCTATGGAAAGTTGGTGGTGCAGTACCTACCTCTCAGGATTCTTGATCT[C>CT]TTCAGTGACATAGTTGAGGGTGTCCCAGCCTGAGTAGGAGAACAGAGCTGAGTACAGTGC-3'

ClinVar aggregate classification (germline): Pathogenic (1 of 4 stars; one submission).

Conditions:
Lysinuric protein intolerance (LPI). Identifiers: Orphanet 470, MedGen C0268647, MONDO:0009109, OMIM 222700.

Submission:

Labcorp Genetics (formerly Invitae), Labcorp
Classification: Pathogenic for Lysinuric protein intolerance. Last evaluated: 2025-09-21. Review status: criteria provided, single submitter. Criteria: Invitae Variant Classification Sherloc (09022015). Collection method: clinical testing. Allele origin: germline.
Comment: This sequence change creates a premature translational stop signal (p.Glu251Argfs*6) in the SLC7A7 gene. It is expected to result in an absent or disrupted protein product. Loss-of-function variants in SLC7A7 are known to be pathogenic (PMID: 10631139, 17764084). This variant is not present in population databases (gnomAD no frequency). This variant has not been reported in the literature in individuals affected with SLC7A7-related conditions. ClinVar contains an entry for this variant (Variation ID: 3702375). For these reasons, this variant has been classified as Pathogenic.

Literature cited by the submitters: PubMed 10631139; PubMed 17764084.